The following is an entry in ClinVar:

NM_001201543.2(FAM161A):c.531_534del (p.Glu177fs)

Gene: FAM161A (FAM161 centrosomal protein A; minus strand). Cytogenetic location: 2p15.
Variant type: Deletion.
Coding change: c.531_534del on transcript NM_001201543.2 (MANE Select); coding-DNA positions 531 to 534, 4 bases deleted (GTTA; older notation c.531_534delGTTA).
Protein change: p.Glu177fs; shifts the reading frame from glutamic acid 177.
Molecular consequence: frameshift variant. On other transcripts: non-coding transcript variant (1).
Genome position (GRCh38, 1-based): chr2:61,840,470-61,840,473, TAAC deleted on the plus strand (GTTA on the coding strand, the reverse complement: FAM161A is on the minus strand); deleting any 4 consecutive bases within chr2:61,840,470-61,840,474 gives the same sequence; the c. name uses the placement nearest the transcript's 3' end. VCF-style (leftmost placement, unchanged base first): chr2-61840469-GTAAC-G. GRCh37 (hg19) VCF-style: chr2-62067604-GTAAC-G.
Other names: c.531_534del, p.Glu177fs (NM_032180.3); short protein forms E177fs.
Identifiers: ClinVar variation 2117257 (VCV002117257.4), dbSNP rs2466028758, ClinGen allele CA2580067634.
Genomic context (GRCh38, chr2:61,840,469, plus strand): 5'-TGAGCTCCTTAGCATAGGTCATCATTCTGTTTTTCCTAGGATACTCTTTTTCTAGGTTGG[GTAAC>G]TCCTCTTCAGAGGAGGACACATACAAGGAGGAAGACTGGCCTAAATCAGGCTCTGAAAAT-3'

ClinVar aggregate classification (germline): Pathogenic (1 of 4 stars; one submission).

Submission:

Labcorp Genetics (formerly Invitae), Labcorp
Classification: Pathogenic. Last evaluated: 2022-03-26. Review status: criteria provided, single submitter. Criteria: Invitae Variant Classification Sherloc (09022015). Collection method: clinical testing. Allele origin: germline.
Comment: For these reasons, this variant has been classified as Pathogenic. This variant has not been reported in the literature in individuals affected with FAM161A-related conditions. This variant is not present in population databases (gnomAD no frequency). This sequence change creates a premature translational stop signal (p.Glu177Aspfs*4) in the FAM161A gene. It is expected to result in an absent or disrupted protein product. Loss-of-function variants in FAM161A are known to be pathogenic (PMID: 20705278, 20705279, 24651477).

Literature cited by the submitters: PubMed 20705278; PubMed 20705279; PubMed 24651477.